The following is an entry in ClinVar:

NM_001024630.4(RUNX2):c.168_194dup (p.Gln71_Glu72insGlnGlnGlnGlnGlnGlnGlnGlnGln)

Genes: RUNX2 (RUNX family transcription factor 2; plus strand), LOC109611589 (runt related transcription factor 2 polyalanine expansion region; plus strand). Cytogenetic location: 6p21.1.
Variant type: Duplication.
Coding change: c.168_194dup on transcript NM_001024630.4 (MANE Select); coding-DNA positions 168 to 194, 27 bases duplicated (GCAGCAACAGCAGCAGCAGCAGCAGCA).
Protein change: p.Gln71_Glu72insGlnGlnGlnGlnGlnGlnGlnGlnGln.
Molecular consequence: inframe insertion. On other transcripts: inframe indel (1).
Genome position (GRCh38, 1-based): chr6:45,422,702-45,422,728, GCAGCAACAGCAGCAGCAGCAGCAGCA duplicated; duplicating any 27 consecutive bases within chr6:45,422,694-45,422,728 gives the same sequence; the c. name uses the placement nearest the transcript's 3' end. VCF-style (leftmost placement, unchanged base first): chr6-45422693-A-ACAGCAGCAGCAGCAACAGCAGCAGCAG. GRCh37 (hg19) VCF-style: chr6-45390430-A-ACAGCAGCAGCAGCAACAGCAGCAGCAG.
Other names: c.168_194dup, p.Gln71_Glu72insGlnGlnGlnGlnGlnGlnGlnGlnGln (NM_001015051.4); c.126_152dup, p.Gln57_Glu58insGlnGlnGlnGlnGlnGlnGlnGlnGln (NM_001278478.2, NM_001369405.1, NM_004348.3).
Identifiers: ClinVar variation 2721787 (VCV002721787.3), dbSNP rs1554384178, ClinGen allele CA3836277.
Genomic context (GRCh38, chr6:45,422,693, plus strand): 5'-CCTGCAGCCCGGCAAAATGAGCGACGTGAGCCCGGTGGTGGCTGCGCAACAGCAGCAGCA[A>ACAGCAGCAGCAGCAACAGCAGCAGCAG]CAGCAGCAGCAGCAACAGCAGCAGCAGCAGCAGCAACAGCAGCAGCAGCAGCAGGAGGCG-3'

ClinVar aggregate classification (germline): Uncertain significance (1 of 4 stars; one submission).

Submission:

Labcorp Genetics (formerly Invitae), Labcorp
Classification: Uncertain significance. Last evaluated: 2024-02-23. Review status: criteria provided, single submitter. Criteria: Invitae Variant Classification Sherloc (09022015). Collection method: clinical testing. Allele origin: germline.
Comment: This variant, c.168_194dup, results in the insertion of 9 amino acid(s) of the RUNX2 protein (p.Gln63_Gln71dup), but otherwise preserves the integrity of the reading frame. This variant is not present in population databases (gnomAD no frequency). This variant has not been reported in the literature in individuals affected with RUNX2-related conditions. In summary, the available evidence is currently insufficient to determine the role of this variant in disease. Therefore, it has been classified as a Variant of Uncertain Significance.